The following is an entry in ClinVar:

ClinVar aggregate classification (germline): Benign. Review status: criteria provided, single submitter (1 of 4 stars). 2 submissions from 2 submitters: Benign (1). 1 of the submissions does not count toward it. Last evaluated 2026-01-11.

Conditions:
MYO5B-related disorder. Also called: MYO5B-related condition.

Allele frequency attached by ClinVar (database versions not stated): gnomAD exomes 0.00005 and 0.00018; ExAC 0.00018; ESP Exome Variant Server 0.00049; gnomAD 0.00054; TOPMed 0.00056; 1000 Genomes Project 0.00120; 1000 Genomes Project 30x 0.00125.
gnomAD v4.1: 161 of 1,613,864 alleles (0.01%); highest among the groups gnomAD compares: African/African-American, 0.2%; no homozygotes.

Submissions (2):

Labcorp Genetics (formerly Invitae), Labcorp
Classification: Benign. Last evaluated: 2026-01-11. Review status: criteria provided, single submitter. Criteria: Invitae Variant Classification Sherloc (09022015). Collection method: clinical testing. Allele origin: germline.

PreventionGenetics, part of Exact Sciences
Classification: Likely benign for MYO5B-related condition. Last evaluated: 2021-02-24. Review status: no assertion criteria provided. Collection method: clinical testing. Allele origin: germline. Not counted in ClinVar's aggregate classification.
Comment: This variant is classified as likely benign based on ACMG/AMP sequence variant interpretation guidelines (Richards et al. 2015 PMID: 25741868, with internal and published modifications).

NM_001080467.3(MYO5B):c.780C>T (p.His260=)

Gene: MYO5B (myosin VB; minus strand). Cytogenetic location: 18q21.1.
Variant type: single nucleotide variant.
Coding change: c.780C>T on transcript NM_001080467.3 (MANE Select); coding-DNA position 780, C replaced by T.
Protein change: p.His260=; no amino-acid change (histidine 260 retained).
Molecular consequence: synonymous variant.
Genome position (GRCh38, 1-based): chr18:49,990,497, G>A on the plus strand (C>T on the coding strand, the complement: MYO5B is on the minus strand). VCF-style: chr18-49990497-G-A. GRCh37 (hg19) VCF-style: chr18-47516867-G-A.
Other names: c.780C>T (NM_001080467.2).
Identifiers: ClinVar variation 1656558 (VCV001656558.10), dbSNP rs374782896, ClinGen allele CA8961774.